The following is an entry in ClinVar:

NM_018124.4(RFWD3):c.1483A>G (p.Met495Val)

Gene: RFWD3 (ring finger and WD repeat domain 3; minus strand). Cytogenetic location: 16q23.1.
Variant type: single nucleotide variant.
Coding change: c.1483A>G on transcript NM_018124.4 (MANE Select); coding-DNA position 1483, A replaced by G.
Protein change: p.Met495Val; replaces methionine 495 with valine.
Molecular consequence: missense variant.
Genome position (GRCh38, 1-based): chr16:74,632,617, T>C on the plus strand (A>G on the coding strand, the complement: RFWD3 is on the minus strand). VCF-style: chr16-74632617-T-C. GRCh37 (hg19) VCF-style: chr16-74666515-T-C.
Other names: c.1483A>G, p.Met495Val (NM_001370534.1, NM_001370535.1, NM_001370536.1); c.649A>G, p.Met217Val (NM_001370537.1, NM_001370539.1, NM_001370540.1 and 3 more transcripts); c.1483A>G (NM_018124.3); short protein forms M495V, M217V.
Identifiers: ClinVar variation 2057293 (VCV002057293.6), dbSNP rs548123185, ClinGen allele CA8169188.

ClinVar aggregate classification (germline): Uncertain significance. Review status: criteria provided, multiple submitters, no conflicts (2 of 4 stars). 2 submissions from 2 submitters: Uncertain significance (2). Last evaluated 2025-11-09.

Allele frequency attached by ClinVar (database versions not stated): ExAC 0.00003; 1000 Genomes Project 30x 0.00016; gnomAD 0.00018; TOPMed 0.00018; 1000 Genomes Project 0.00020.
gnomAD v4.1: 81 of 1,614,124 alleles (0.005%); highest among the groups gnomAD compares: Admixed American, 0.092%; no homozygotes.

Submissions (2):

Labcorp Genetics (formerly Invitae), Labcorp
Classification: Uncertain significance. Last evaluated: 2025-11-09. Review status: criteria provided, single submitter. Criteria: Invitae Variant Classification Sherloc (09022015). Collection method: clinical testing. Allele origin: germline.
Comment: This sequence change replaces methionine, which is neutral and non-polar, with valine, which is neutral and non-polar, at codon 495 of the RFWD3 protein (p.Met495Val). This variant is present in population databases (rs548123185, gnomAD 0.08%), and has an allele count higher than expected for a pathogenic variant. This variant has not been reported in the literature in individuals affected with RFWD3-related conditions. ClinVar contains an entry for this variant (Variation ID: 2057293). An algorithm developed to predict the effect of missense changes on protein structure and function outputs the following: PolyPhen-2: "Benign". The valine amino acid residue is found in multiple mammalian species, which suggests that this missense change does not adversely affect protein function. In summary, the available evidence is currently insufficient to determine the role of this variant in disease. Therefore, it has been classified as a Variant of Uncertain Significance.

Ambry Genetics
Classification: Uncertain significance. Last evaluated: 2023-03-17. Review status: criteria provided, single submitter. Criteria: Ambry Variant Classification Scheme 2023. Collection method: clinical testing. Allele origin: germline.